The following is an entry in ClinVar:

ClinVar aggregate classification (germline): Likely benign (0 of 4 stars; one submission).

Conditions:
PLXNA3-related disorder. Also called: PLXNA3-related condition.

Allele frequency attached by ClinVar (database versions not stated): gnomAD 0.00011; TOPMed 0.00017; gnomAD exomes 0.00019; 1000 Genomes Project 30x 0.00021; ExAC 0.00023; 1000 Genomes Project 0.00026.
gnomAD v4.1: 220 of 1,210,302 alleles (0.018%); highest among the groups gnomAD compares: East Asian, 0.27%; no homozygotes.

Submission:

PreventionGenetics, part of Exact Sciences
Classification: Likely benign for PLXNA3-related condition. Last evaluated: 2023-05-10. Review status: no assertion criteria provided. Collection method: clinical testing. Allele origin: germline.
Comment: This variant is classified as likely benign based on ACMG/AMP sequence variant interpretation guidelines (Richards et al. 2015 PMID: 25741868, with internal and published modifications).

NM_017514.5(PLXNA3):c.927C>T (p.Gly309=)

Gene: PLXNA3 (plexin A3; plus strand). Cytogenetic location: Xq28.
Variant type: single nucleotide variant.
Coding change: c.927C>T on transcript NM_017514.5 (MANE Select); coding-DNA position 927, C replaced by T.
Protein change: p.Gly309=; no amino-acid change (glycine 309 retained).
Molecular consequence: synonymous variant.
Genome position (GRCh38, 1-based): chrX:154,461,431, C>T. VCF-style: chrX-154461431-C-T. GRCh37 (hg19) VCF-style: chrX-153689771-C-T.
Identifiers: ClinVar variation 3045106 (VCV003045106.2), dbSNP rs782618267, ClinGen allele CA10563859.
Genomic context (GRCh38, chrX:154,461,431, plus strand): 5'-CCGCTTGGTGCAGAGCGCCCACCTGGCCAAGCCTGGCCTGCTGCTGGCCCAGGCCCTGGG[C>T]GTGCCGGCTGATGAGGACGTCCTCTTCACCATCTTCTCTCAGGGCCAGAAGAACCGGGCC-3'
Protein context (NP_059984.3, residues 299-319): KPGLLLAQAL[Gly309=]VPADEDVLFT